The following is an entry in ClinVar:

ClinVar aggregate classification (germline): Uncertain significance. Review status: criteria provided, multiple submitters, no conflicts (2 of 4 stars). 2 submissions from 2 submitters: Uncertain significance (2). Last evaluated 2026-04-16.

Conditions:
Inborn genetic diseases. Identifiers: MedGen C0950123, MeSH D030342.

Allele frequency attached by ClinVar (database versions not stated): gnomAD exomes below 0.00001; TOPMed below 0.00001; ExAC 0.00001.
gnomAD v4.1: 2 of 1,614,102 alleles (0.00012%); highest among the groups gnomAD compares: Admixed American, 0.0017%; no homozygotes.

Submissions (2):

Ambry Genetics
Classification: Uncertain significance for Inborn genetic diseases. Last evaluated: 2026-04-16. Review status: criteria provided, single submitter. Criteria: Ambry Variant Classification Scheme 2023. Collection method: clinical testing. Allele origin: germline.
Comment: The c.5000G>A (p.R1667H) alteration is located in exon 32 (coding exon 31) of the PRPF8 gene. This alteration results from a G to A substitution at nucleotide position 5000, causing the arginine (R) at amino acid position 1667 to be replaced by a histidine (H). Based on data from gnomAD, the A allele has an overall frequency of <0.001% (1/251452) total alleles studied. The highest observed frequency was 0.003% (1/34592) of Latino alleles. Based on insufficient or conflicting evidence, the clinical significance of this alteration remains unclear.

Labcorp Genetics (formerly Invitae), Labcorp
Classification: Uncertain significance. Last evaluated: 2024-12-09. Review status: criteria provided, single submitter. Criteria: Invitae Variant Classification Sherloc (09022015). Collection method: clinical testing. Allele origin: germline.
Comment: This sequence change replaces arginine, which is basic and polar, with histidine, which is basic and polar, at codon 1667 of the PRPF8 protein (p.Arg1667His). This variant is present in population databases (rs768194464, gnomAD 0.003%). This variant has not been reported in the literature in individuals affected with PRPF8-related conditions. ClinVar contains an entry for this variant (Variation ID: 1491428). Invitae Evidence Modeling of protein sequence and biophysical properties (such as structural, functional, and spatial information, amino acid conservation, physicochemical variation, residue mobility, and thermodynamic stability) indicates that this missense variant is expected to disrupt PRPF8 protein function with a positive predictive value of 80%. In summary, the available evidence is currently insufficient to determine the role of this variant in disease. Therefore, it has been classified as a Variant of Uncertain Significance.

NM_006445.4(PRPF8):c.5000G>A (p.Arg1667His)

Gene: PRPF8 (pre-mRNA processing factor 8; minus strand). Cytogenetic location: 17p13.3.
Variant type: single nucleotide variant.
Coding change: c.5000G>A on transcript NM_006445.4 (MANE Select); coding-DNA position 5000, G replaced by A.
Protein change: p.Arg1667His; replaces arginine 1667 with histidine.
Molecular consequence: missense variant.
Genome position (GRCh38, 1-based): chr17:1,659,495, C>T on the plus strand (G>A on the coding strand, the complement: PRPF8 is on the minus strand). VCF-style: chr17-1659495-C-T. GRCh37 (hg19) VCF-style: chr17-1562789-C-T.
Other names: c.5000G>A (NM_006445.3); short protein forms R1667H.
Identifiers: ClinVar variation 1491428 (VCV001491428.9), dbSNP rs768194464, ClinGen allele CA8271540.
Genomic context (GRCh38, chr17:1,659,495, plus strand): 5'-TAGTCCAGGAACTTGGCCCGGGCGTAGCGCTCAATGTCGTGGGAATCATAGTCCCCCCAG[C>T]GCAACTGGATGTCAATCCAGTATTTCTGGGTGGTGGTGCTGTCCATCACATCCCTGAGGA-3'
Protein context (NP_006436.3, residues 1657-1677): TQKYWIDIQL[Arg1667His]WGDYDSHDIE